The following is an entry in ClinVar:

ClinVar aggregate classification (germline): Uncertain significance. Review status: criteria provided, multiple submitters, no conflicts (2 of 4 stars). 3 submissions from 3 submitters: Uncertain significance (3). Last evaluated 2022-06-24.

Conditions:
Inborn genetic diseases. Identifiers: MedGen C0950123, MeSH D030342.
4p partial monosomy syndrome (WHS). Also called: PITT SYNDROME; WITTWER SYNDROME; CHROMOSOME 4p16.3 DELETION SYNDROME; Wolf-Hirschhorn syndrome. Identifiers: Orphanet 280, MedGen C1956097, MONDO:0008684, OMIM 194190.

Allele frequency attached by ClinVar (database versions not stated): gnomAD exomes 0.00001; ExAC 0.00002; TOPMed 0.00005; 1000 Genomes Project 30x 0.00016; 1000 Genomes Project 0.00020.
gnomAD v4.1: 12 of 1,537,890 alleles (0.00078%); highest among the groups gnomAD compares: Admixed American, 0.008%; no homozygotes.

Submissions (3):

Ambry Genetics
Classification: Uncertain significance for Inborn genetic diseases. Last evaluated: 2022-06-24. Review status: criteria provided, single submitter. Criteria: Ambry Variant Classification Scheme 2023. Collection method: clinical testing. Allele origin: germline.

Labcorp Genetics (formerly Invitae), Labcorp
Classification: Uncertain significance. Last evaluated: 2022-04-10. Review status: criteria provided, single submitter. Criteria: Invitae Variant Classification Sherloc (09022015). Collection method: clinical testing. Allele origin: germline.
Comment: This sequence change replaces glycine, which is neutral and non-polar, with serine, which is neutral and polar, at codon 1364 of the WHSC1 protein (p.Gly1364Ser). This variant is present in population databases (rs548852837, gnomAD 0.004%). This variant has not been reported in the literature in individuals affected with WHSC1-related conditions. ClinVar contains an entry for this variant (Variation ID: 1341735). Algorithms developed to predict the effect of missense changes on protein structure and function are either unavailable or do not agree on the potential impact of this missense change (SIFT: "Tolerated"; PolyPhen-2: "Not Available"; Align-GVGD: "Class C0"). In summary, the available evidence is currently insufficient to determine the role of this variant in disease. Therefore, it has been classified as a Variant of Uncertain Significance.

New York Genome Center
Classification: Uncertain significance for Wolf-Hirschhorn syndrome. Last evaluated: 2021-01-21. Review status: criteria provided, single submitter. Criteria: NYGC Assertion Criteria 2020. Collection method: clinical testing. Allele origin: germline. Observed: 1 heterozygote. Study: CSER-NYCKidSeq.

NM_001042424.3(NSD2):c.4090G>A (p.Gly1364Ser)

Gene: NSD2 (nuclear receptor binding SET domain protein 2; plus strand). Cytogenetic location: 4p16.3.
Variant type: single nucleotide variant.
Coding change: c.4090G>A on transcript NM_001042424.3 (MANE Select); coding-DNA position 4090, G replaced by A.
Protein change: p.Gly1364Ser; replaces glycine 1364 with serine.
Molecular consequence: missense variant.
Genome position (GRCh38, 1-based): chr4:1,978,901, G>A. VCF-style: chr4-1978901-G-A. GRCh37 (hg19) VCF-style: chr4-1980628-G-A.
Other names: c.4090G>A, p.Gly1364Ser (NM_133330.3, NM_133331.3, NM_133335.4); c.4090G>A (NM_133330.2); short protein forms G1364S.
Identifiers: ClinVar variation 1341735 (VCV001341735.4), dbSNP rs548852837, ClinGen allele CA2812978.